The following is an entry in ClinVar:

ClinVar aggregate classification (germline): Uncertain significance (1 of 4 stars; one submission).

Submission:

Labcorp Genetics (formerly Invitae), Labcorp
Classification: Uncertain significance. Last evaluated: 2022-04-07. Review status: criteria provided, single submitter. Criteria: Invitae Variant Classification Sherloc (09022015). Collection method: clinical testing. Allele origin: germline.
Comment: This sequence change replaces glutamic acid, which is acidic and polar, with glycine, which is neutral and non-polar, at codon 145 of the LPL protein (p.Glu145Gly). This variant is not present in population databases (gnomAD no frequency). This variant has not been reported in the literature in individuals affected with LPL-related conditions. Algorithms developed to predict the effect of missense changes on protein structure and function are either unavailable or do not agree on the potential impact of this missense change (SIFT: "Tolerated"; PolyPhen-2: "Possibly Damaging"; Align-GVGD: "Class C0"). In summary, the available evidence is currently insufficient to determine the role of this variant in disease. Therefore, it has been classified as a Variant of Uncertain Significance.

NM_000237.3(LPL):c.434A>G (p.Glu145Gly)

Gene: LPL (lipoprotein lipase; plus strand). Cytogenetic location: 8p21.3.
Variant type: single nucleotide variant.
Coding change: c.434A>G on transcript NM_000237.3 (MANE Select); coding-DNA position 434, A replaced by G.
Protein change: p.Glu145Gly; replaces glutamic acid 145 with glycine.
Molecular consequence: missense variant.
Genome position (GRCh38, 1-based): chr8:19,953,314, A>G. VCF-style: chr8-19953314-A-G. GRCh37 (hg19) VCF-style: chr8-19810825-A-G.
Other names: short protein forms E145G.
Identifiers: ClinVar variation 1982905 (VCV001982905.1), dbSNP rs2540104646, ClinGen allele CA370467953.